The following is an entry in ClinVar:

NM_001540.5(HSPB1):c.142G>A (p.Gly48Ser)

Gene: HSPB1 (heat shock protein family B (small) member 1; plus strand). Cytogenetic location: 7q11.23.
Variant type: single nucleotide variant.
Coding change: c.142G>A on transcript NM_001540.5 (MANE Select); coding-DNA position 142, G replaced by A.
Protein change: p.Gly48Ser; replaces glycine 48 with serine.
Molecular consequence: missense variant.
Genome position (GRCh38, 1-based): chr7:76,302,854, G>A. VCF-style: chr7-76302854-G-A. GRCh37 (hg19) VCF-style: chr7-75932171-G-A.
Other names: c.142G>A (LRG_248t1); short protein forms G48S.
Identifiers: ClinVar variation 447527 (VCV000447527.11), dbSNP rs546699221, ClinGen allele CA4306270.

ClinVar aggregate classification (germline): Uncertain significance. Review status: criteria provided, multiple submitters, no conflicts (2 of 4 stars). 4 submissions from 4 submitters: Uncertain significance (4). Last evaluated 2026-09-25.

Conditions:
HSPB1-related disorder. Also called: HSPB1-related disorders; HSPB1-related condition.
Neuronopathy, distal hereditary motor, type 2B. Also called: HMN IIB; NEURONOPATHY, DISTAL HEREDITARY MOTOR, AUTOSOMAL DOMINANT 3; NEURONOPATHY, DISTAL HEREDITARY MOTOR, HARDING TYPE IIB; NEUROPATHY, DISTAL HEREDITARY MOTOR, HARDING TYPE IIB. Identifiers: Orphanet 139525, MedGen C2608087, MONDO:0012080, OMIM 608634.
Charcot-Marie-Tooth disease axonal type 2F (CMT2F). Also called: CHARCOT-MARIE-TOOTH DISEASE, NEURONAL, TYPE 2F; Charcot-Marie-Tooth Neuropathy Type 2F. Identifiers: Orphanet 99940, MedGen C1847823, MONDO:0011687, OMIM 606595.

Allele frequency attached by ClinVar (database versions not stated): gnomAD 0.00001; TOPMed 0.00002; 1000 Genomes Project 30x 0.00016; 1000 Genomes Project 0.00040.
gnomAD v4.1: 32 of 1,591,718 alleles (0.002%); highest among the groups gnomAD compares: East Asian, 0.0068%; no homozygotes.

Submissions (4):

PreventionGenetics, part of Exact Sciences
Classification: Uncertain significance for HSPB1-related condition. Last evaluated: 2026-09-25. Review status: criteria provided, single submitter. Criteria: ACMG Guidelines, 2015. Collection method: clinical testing. Allele origin: germline.
Comment: The HSPB1 c.142G>A variant is predicted to result in the amino acid substitution p.Gly48Ser. To our knowledge, this variant has not been reported in the literature. This variant is reported in 0.017% of alleles in individuals of East Asian descent in gnomAD. At this time, the clinical significance of this variant is uncertain due to the absence of conclusive functional and genetic evidence.

Labcorp Genetics (formerly Invitae), Labcorp
Classification: Uncertain significance for Charcot-Marie-Tooth disease axonal type 2F. Last evaluated: 2025-10-03. Review status: criteria provided, single submitter. Criteria: Invitae Variant Classification Sherloc (09022015). Collection method: clinical testing. Allele origin: germline.
Comment: This sequence change replaces glycine, which is neutral and non-polar, with serine, which is neutral and polar, at codon 48 of the HSPB1 protein (p.Gly48Ser). This variant is present in population databases (rs546699221, gnomAD 0.02%). This variant has not been reported in the literature in individuals affected with HSPB1-related conditions. ClinVar contains an entry for this variant (Variation ID: 447527). Invitae Evidence Modeling of protein sequence and biophysical properties (such as structural, functional, and spatial information, amino acid conservation, physicochemical variation, residue mobility, and thermodynamic stability) indicates that this missense variant is not expected to disrupt HSPB1 protein function with a negative predictive value of 95%. In summary, the available evidence is currently insufficient to determine the role of this variant in disease. Therefore, it has been classified as a Variant of Uncertain Significance.

Fulgent Genetics
Classification: Uncertain significance for Charcot-Marie-Tooth disease axonal type 2F; Neuronopathy, distal hereditary motor, type 2B. Last evaluated: 2022-01-12. Review status: criteria provided, single submitter. Criteria: ACMG Guidelines, 2015. Collection method: clinical testing. Allele origin: unknown.

Athena Diagnostics
Classification: Uncertain significance. Last evaluated: 2016-11-11. Review status: criteria provided, single submitter. Criteria: Athena Diagnostics Criteria. Collection method: clinical testing. Allele origin: germline.